The following is an entry in ClinVar:

NM_020631.6(PLEKHG5):c.427C>T (p.Leu143Phe)

Gene: PLEKHG5 (pleckstrin homology and RhoGEF domain containing G5; minus strand). Cytogenetic location: 1p36.31.
Variant type: single nucleotide variant.
Coding change: c.427C>T on transcript NM_020631.6 (MANE Select); coding-DNA position 427, C replaced by T.
Protein change: p.Leu143Phe; replaces leucine 143 with phenylalanine.
Molecular consequence: missense variant.
Genome position (GRCh38, 1-based): chr1:6,474,463, G>A on the plus strand (C>T on the coding strand, the complement: PLEKHG5 is on the minus strand). VCF-style: chr1-6474463-G-A. GRCh37 (hg19) VCF-style: chr1-6534523-G-A.
Other names: c.538C>T, p.Leu180Phe (NM_001042663.3, NM_001265592.2); c.427C>T, p.Leu143Phe (NM_001042664.2, NM_001042665.2, NM_001265594.3 and 1 more transcripts); c.634C>T, p.Leu212Phe (NM_001265593.2); short protein forms L212F, L180F, L143F.
Identifiers: ClinVar variation 4526051 (VCV004526051.1).

ClinVar aggregate classification (germline): Uncertain significance (1 of 4 stars; one submission).

gnomAD v4.1: 2 of 1,613,912 alleles (0.00012%); highest among the groups gnomAD compares: Non-Finnish European, 0.00017%; no homozygotes.

Submission:

Women's Health and Genetics/Laboratory Corporation of America, LabCorp
Classification: Uncertain significance. Last evaluated: 2025-07-29. Review status: criteria provided, single submitter. Criteria: LabCorp Variant Classification Summary - May 2015. Collection method: clinical testing. Allele origin: germline.
Comment: Variant summary: PLEKHG5 c.427C>T (p.Leu143Phe) results in a non-conservative amino acid change in the encoded protein sequence. Algorithms developed to predict the effect of missense changes on protein structure and function all suggest that this variant is likely to be disruptive. The variant allele was found at a frequency of 4e-06 in 250492 control chromosomes. The available data on variant occurrences in the general population are insufficient to allow any conclusion about variant significance. To our knowledge, no occurrence of c.427C>T in individuals affected with Distal Spinal Muscular Atrophy, Autosomal Recessive 4 and no experimental evidence demonstrating its impact on protein function have been reported. No submitters have cited clinical-significance assessments for this variant to ClinVar. Based on the evidence outlined above, the variant was classified as uncertain significance.